The following is an entry in ClinVar:

NM_000023.4(SGCA):c.772G>T (p.Ala258Ser)

Gene: SGCA (sarcoglycan alpha; plus strand). Cytogenetic location: 17q21.33.
Variant type: single nucleotide variant.
Coding change: c.772G>T on transcript NM_000023.4 (MANE Select); coding-DNA position 772, G replaced by T.
Protein change: p.Ala258Ser; replaces alanine 258 with serine.
Molecular consequence: missense variant. On other transcripts: intron variant (1).
Genome position (GRCh38, 1-based): chr17:50,170,167, G>T. VCF-style: chr17-50170167-G-T. GRCh37 (hg19) VCF-style: chr17-48247528-G-T.
Other names: c.772G>T (LRG_203t1); c.585-473G>T (NM_001135697.3); short protein forms A258S.
Identifiers: ClinVar variation 644309 (VCV000644309.6), dbSNP rs934936899, ClinGen allele CA291537061.
Genomic context (GRCh38, chr17:50,170,167, plus strand): 5'-GCCACTTCCTGCGTCAGCCCTGAGCTCTCTGTGCAGGTGGATAAGTCAGTGCCGGAGCCT[G>T]CAGATGAGGTGCCCACCCCAGGTGATGGGATCCTGGAGCATGACCCGTTCTTCTGCCCAC-3'
Protein context (NP_000014.1, residues 248-268): TLVDKSVPEP[Ala258Ser]DEVPTPGDGI

ClinVar aggregate classification (germline): Uncertain significance (1 of 4 stars; one submission).

Conditions:
Autosomal recessive limb-girdle muscular dystrophy type 2D (LGMDR3). Also called: ADHALINOPATHY, PRIMARY; DUCHENNE-LIKE AUTOSOMAL RECESSIVE MUSCULAR DYSTROPHY, TYPE 2; MUSCULAR DYSTROPHY, LIMB-GIRDLE, AUTOSOMAL RECESSIVE 3. Identifiers: Orphanet 62, MedGen C2936332, MONDO:0011968, OMIM 608099. Disease mechanism: Affects gamma-sarcoglycan and also disrupts the integrity of the entire sarcoglycan complex..

Allele frequency attached by ClinVar (database versions not stated): TOPMed 0.00001.
gnomAD v4.1: 2 of 1,614,174 alleles (0.00012%); highest among the groups gnomAD compares: East Asian, 0.0022%; no homozygotes.

Submission:

Labcorp Genetics (formerly Invitae), Labcorp
Classification: Uncertain significance for Autosomal recessive limb-girdle muscular dystrophy type 2D. Last evaluated: 2022-08-16. Review status: criteria provided, single submitter. Criteria: Invitae Variant Classification Sherloc (09022015). Collection method: clinical testing. Allele origin: germline.
Comment: This sequence change replaces alanine, which is neutral and non-polar, with serine, which is neutral and polar, at codon 258 of the SGCA protein (p.Ala258Ser). This variant is not present in population databases (gnomAD no frequency). This variant has not been reported in the literature in individuals affected with SGCA-related conditions. ClinVar contains an entry for this variant (Variation ID: 644309). Advanced modeling of protein sequence and biophysical properties (such as structural, functional, and spatial information, amino acid conservation, physicochemical variation, residue mobility, and thermodynamic stability) performed at Invitae indicates that this missense variant is not expected to disrupt SGCA protein function. In summary, the available evidence is currently insufficient to determine the role of this variant in disease. Therefore, it has been classified as a Variant of Uncertain Significance.